The following is an entry in ClinVar:

NM_024740.2(ALG9):c.406-7C>T

Gene: ALG9 (ALG9 alpha-1,2-mannosyltransferase; minus strand). Cytogenetic location: 11q23.1.
Variant type: single nucleotide variant.
Coding change: c.406-7C>T on transcript NM_024740.2 (MANE Select); 7 bases into the intron before coding-DNA position 406, C replaced by T.
Molecular consequence: intron variant.
Genome position (GRCh38, 1-based): chr11:111,865,258, G>A on the plus strand (C>T on the coding strand, the complement: ALG9 is on the minus strand). VCF-style: chr11-111865258-G-A. GRCh37 (hg19) VCF-style: chr11-111735981-G-A.
Other names: p.?; c.-108-7C>T (NM_001352409.1, NM_001352410.1, NM_001352413.1 and 11 more transcripts); c.406-7C>T (NM_001352418.1, NM_001352417.1, NM_001077690.1); c.-326-7C>T (NM_001352422.2).
Identifiers: ClinVar variation 96134 (VCV000096134.16), dbSNP rs45574638, ClinGen allele CA149271.

ClinVar aggregate classification (germline): Benign. Review status: criteria provided, multiple submitters, no conflicts (2 of 4 stars). 5 submissions from 5 submitters: Benign (5). Last evaluated 2026-02-02.

Conditions:
ALG9 congenital disorder of glycosylation (CDG1L). Also called: CDG Il; ALG9-CDG; CONGENITAL DISORDER OF GLYCOSYLATION, TYPE Il. Identifiers: Orphanet 79328, MedGen C2931006, MONDO:0012117, OMIM 608776.

Allele frequency attached by ClinVar (database versions not stated): 1000 Genomes Project 30x 0.01234; 1000 Genomes Project 0.01258; ESP Exome Variant Server 0.02211; ExAC 0.02275; TOPMed 0.02417; gnomAD exomes 0.02507 and 0.03277; gnomAD 0.02519 and 0.02566.
gnomAD v4.1: 49,359 of 1,548,022 alleles (3.2%); highest among the groups gnomAD compares: Non-Finnish European, 3.7%; 906 homozygotes.

Submissions (5):

Labcorp Genetics (formerly Invitae), Labcorp
Classification: Benign for ALG9 congenital disorder of glycosylation. Last evaluated: 2026-02-02. Review status: criteria provided, single submitter. Criteria: Invitae Variant Classification Sherloc (09022015). Collection method: clinical testing. Allele origin: germline.

Mayo Clinic Laboratories, Mayo Clinic
Classification: Benign. Last evaluated: 2025-05-06. Review status: criteria provided, single submitter. Criteria: ACMG Guidelines, 2015. Collection method: clinical testing. Allele origin: germline. Observed: 27 variant alleles.
Comment: BA1, BS2, BP4, BP7

GeneDx
Classification: Benign. Last evaluated: 2016-01-25. Review status: criteria provided, single submitter. Criteria: GeneDx Variant Classification (06012015). Collection method: clinical testing. Allele origin: germline. Affected: yes.
Comment: This variant is considered likely benign or benign based on one or more of the following criteria: it is a conservative change, it occurs at a poorly conserved position in the protein, it is predicted to be benign by multiple in silico algorithms, and/or has population frequency not consistent with disease.

Eurofins Ntd Llc (ga)
Classification: Benign. Last evaluated: 2013-05-29. Review status: criteria provided, single submitter. Criteria: EGL Classification Definitions 2015. Collection method: clinical testing. Allele origin: germline. Observed: 3 variant alleles, 3 heterozygotes.

Breakthrough Genomics
Classification: Benign. Review status: criteria provided, single submitter. Criteria: ACMG Guidelines, 2015. Collection method: not provided. Allele origin: germline. Inheritance: Autosomal recessive inheritance. Affected: yes.